The following is an entry in ClinVar:

ClinVar aggregate classification (germline): Uncertain significance (1 of 4 stars; one submission).

Submission:

GeneDx
Classification: Uncertain significance. Last evaluated: 2023-05-31. Review status: criteria provided, single submitter. Criteria: GeneDx Variant Classification Process June 2021. Collection method: clinical testing. Allele origin: germline. Affected: yes.
Comment: Not observed at significant frequency in large population cohorts (gnomAD); In silico analysis supports that this missense variant has a deleterious effect on protein structure/function; Has not been previously published as pathogenic or benign to our knowledge; This variant is associated with the following publications: (PMID: 24658002)

NM_003072.5(SMARCA4):c.1446T>A (p.His482Gln)

Gene: SMARCA4 (SWI/SNF related BAF chromatin remodeling complex subunit ATPase 4; plus strand). Cytogenetic location: 19p13.2.
Variant type: single nucleotide variant.
Coding change: c.1446T>A on transcript NM_003072.5 (MANE Select); coding-DNA position 1446, T replaced by A.
Protein change: p.His482Gln; replaces histidine 482 with glutamine.
Molecular consequence: missense variant. On other transcripts: non-coding transcript variant (1).
Genome position (GRCh38, 1-based): chr19:10,994,854, T>A. VCF-style: chr19-10994854-T-A. GRCh37 (hg19) VCF-style: chr19-11105530-T-A.
Other names: c.1446T>A, p.His482Gln (NM_001128844.3, NM_001128845.2, NM_001128846.2 and 6 more transcripts); short protein forms H482Q.
Identifiers: ClinVar variation 3359442 (VCV003359442.1).